The following is an entry in ClinVar:

NM_198586.3(NHLRC1):c.485A>C (p.His162Pro)

Gene: NHLRC1 (NHL repeat containing E3 ubiquitin protein ligase 1; minus strand). Cytogenetic location: 6p22.3.
Variant type: single nucleotide variant.
Coding change: c.485A>C on transcript NM_198586.3 (MANE Select); coding-DNA position 485, A replaced by C.
Protein change: p.His162Pro; replaces histidine 162 with proline.
Molecular consequence: missense variant.
Genome position (GRCh38, 1-based): chr6:18,122,122, T>G on the plus strand (A>C on the coding strand, the complement: NHLRC1 is on the minus strand). VCF-style: chr6-18122122-T-G. GRCh37 (hg19) VCF-style: chr6-18122353-T-G.
Other names: short protein forms H162P.
Identifiers: ClinVar variation 656381 (VCV000656381.9), dbSNP rs1217974765, ClinGen allele CA362827862.
Genomic context (GRCh38, chr6:18,122,122, plus strand): 5'-ATGGTGACATCCACAGGGTACCTAATGTCTTGGGCAGCGTCCCCCTTCTCTCCAAACTGA[T>G]GCGCGCATCCTCCCCCTGAGTCAAAAATCTTGACACGCCTCCTGCCGTCGTGCACCACCA-3'
Protein context (NP_940988.2, residues 152-172): KIFDSGGGCA[His162Pro]QFGEKGDAAQ

ClinVar aggregate classification (germline): Uncertain significance (1 of 4 stars; one submission).

Conditions:
Lafora disease. Also called: Epilepsy progressive myoclonic 2; Progressive Myoclonus Epilepsy, Lafora Type. Identifiers: Orphanet 501, MedGen C0751783, MONDO:0009697.

Submission:

Labcorp Genetics (formerly Invitae), Labcorp
Classification: Uncertain significance for Lafora disease. Last evaluated: 2024-10-29. Review status: criteria provided, single submitter. Criteria: Invitae Variant Classification Sherloc (09022015). Collection method: clinical testing. Allele origin: germline.
Comment: This sequence change replaces histidine, which is basic and polar, with proline, which is neutral and non-polar, at codon 162 of the NHLRC1 protein (p.His162Pro). This variant is not present in population databases (gnomAD no frequency). This variant has not been reported in the literature in individuals affected with NHLRC1-related conditions. ClinVar contains an entry for this variant (Variation ID: 656381). Invitae Evidence Modeling of protein sequence and biophysical properties (such as structural, functional, and spatial information, amino acid conservation, physicochemical variation, residue mobility, and thermodynamic stability) has been performed for this missense variant. However, the output from this modeling did not meet the statistical confidence thresholds required to predict the impact of this variant on NHLRC1 protein function. In summary, the available evidence is currently insufficient to determine the role of this variant in disease. Therefore, it has been classified as a Variant of Uncertain Significance.